The following is an entry in ClinVar:

NM_015295.3(SMCHD1):c.5124A>G (p.Arg1708=)

Gene: SMCHD1 (structural maintenance of chromosomes flexible hinge domain containing 1; plus strand). Cytogenetic location: 18p11.32.
Variant type: single nucleotide variant.
Coding change: c.5124A>G on transcript NM_015295.3 (MANE Select); coding-DNA position 5124, A replaced by G.
Protein change: p.Arg1708=; no amino-acid change (arginine 1708 retained).
Molecular consequence: synonymous variant.
Genome position (GRCh38, 1-based): chr18:2,772,321, A>G. VCF-style: chr18-2772321-A-G. GRCh37 (hg19) VCF-style: chr18-2772319-A-G.
Identifiers: ClinVar variation 2732855 (VCV002732855.3), dbSNP rs2510152163, ClinGen allele CA502672890.

ClinVar aggregate classification (germline): Uncertain significance (1 of 4 stars; one submission).

Conditions:
Facioscapulohumeral muscular dystrophy 2 (FSHD2). Also called: MUSCULAR DYSTROPHY, FACIOSCAPULOHUMERAL, TYPE 1B; FACIOSCAPULOHUMERAL MUSCULAR DYSTROPHY 2, DIGENIC; FSHD2, DIGENIC. Identifiers: Orphanet 269, MedGen C1834671, MONDO:0008031, OMIM 158901.

Submission:

Labcorp Genetics (formerly Invitae), Labcorp
Classification: Uncertain significance for Facioscapulohumeral muscular dystrophy 2. Last evaluated: 2022-11-11. Review status: criteria provided, single submitter. Criteria: Invitae Variant Classification Sherloc (09022015). Collection method: clinical testing. Allele origin: germline.
Comment: In summary, the available evidence is currently insufficient to determine the role of this variant in disease. Therefore, it has been classified as a Variant of Uncertain Significance. Algorithms developed to predict the effect of sequence changes on RNA splicing suggest that this variant may create or strengthen a splice site. This variant has not been reported in the literature in individuals affected with SMCHD1-related conditions. This variant is not present in population databases (gnomAD no frequency). This sequence change affects codon 1708 of the SMCHD1 mRNA. It is a 'silent' change, meaning that it does not change the encoded amino acid sequence of the SMCHD1 protein.